The following is an entry in ClinVar:

ClinVar aggregate classification (germline): Benign. Review status: criteria provided, multiple submitters, no conflicts (2 of 4 stars). 2 submissions from 2 submitters: Benign (2). Last evaluated 2021-06-19.

Conditions:
Hereditary angioedema type 1 (HAE1). Identifiers: Orphanet 100050, Orphanet 100051, Orphanet 91378, MedGen C2717906, MONDO:0015053, OMIM 106100.

Allele frequency attached by ClinVar (database versions not stated): 1000 Genomes Project 0.25020; 1000 Genomes Project 30x 0.25094; TOPMed 0.29854; gnomAD 0.31091 and 0.31248.
gnomAD v4.1: 47,413 of 152,006 alleles (31%); highest among the groups gnomAD compares: Non-Finnish European, 41%; 8,404 homozygotes.

Submissions (2):

GeneDx
Classification: Benign. Last evaluated: 2021-06-19. Review status: criteria provided, single submitter. Criteria: GeneDx Variant Classification Process June 2021. Collection method: clinical testing. Allele origin: germline. Affected: yes.

CeMIA
Classification: Benign for Hereditary angioedema type 1. Review status: criteria provided, single submitter. Criteria: ACMG Guidelines, 2015. Collection method: clinical testing. Allele origin: germline. Affected: yes.
Comment: This variant is considered likely benign or benign based on one or more of the following criteria: allele frequency is >5% in Exome Sequencing Project, 1000 Genomes Project, or Exome Aggregation Consortium (BA1), allele frequency is greater than expected for disorder (BS1), it is observed in a healthy adult individual (BS2), it is predicted to be benign by multiple in silico algorithms (BP4), it is found in a case with an alternate molecular basis for the disease (BP5) and/or reputable source recently reports variant as benign (BP6).

Literature cited by the submitters: PubMed 31959500 (cited by CeMIA).

NM_000062.3(SERPING1):c.1250-282T>C

Gene: SERPING1 (serpin family G member 1; plus strand). Cytogenetic location: 11q12.1.
Variant type: single nucleotide variant.
Coding change: c.1250-282T>C on transcript NM_000062.3 (MANE Select); 282 bases into the intron before coding-DNA position 1250, T replaced by C.
Molecular consequence: intron variant.
Genome position (GRCh38, 1-based): chr11:57,614,046, T>C. VCF-style: chr11-57614046-T-C. GRCh37 (hg19) VCF-style: chr11-57381519-T-C.
Other names: c.1250-282T>C (NM_001032295.2).
Identifiers: ClinVar variation 983236 (VCV000983236.3), dbSNP rs1557522, ClinGen allele CA15710884.
Genomic context (GRCh38, chr11:57,614,046, plus strand): 5'-ATGGCATTGCATATAACCTCATTTTTTCATATATGACCTATCTCTGATCTATTACCTCAC[T>C]TCCAAGGTCCTGGGAGATAAGGAGGCAATGACATCATTTTTCAGGGTTGTTTTAGGGATG-3'